The following is an entry in ClinVar:

NM_002971.6(SATB1):c.1206+1G>T

Gene: SATB1 (SATB homeobox 1; minus strand). Cytogenetic location: 3p24.3.
Variant type: single nucleotide variant.
Coding change: c.1206+1G>T on transcript NM_002971.6 (MANE Select); the canonical splice donor site of the intron after coding-DNA position 1206, G replaced by T.
Molecular consequence: splice donor variant.
Genome position (GRCh38, 1-based): chr3:18,394,461, C>A on the plus strand (G>T on the coding strand, the complement: SATB1 is on the minus strand). VCF-style: chr3-18394461-C-A. GRCh37 (hg19) VCF-style: chr3-18435953-C-A.
Other names: c.1206+1G>T (NM_001322874.2, NM_001322872.2, NM_001322873.2 and 4 more transcripts); c.990+1G>T (NM_001322876.2).
Identifiers: ClinVar variation 1326529 (VCV001326529.2), dbSNP rs2125115541, ClinGen allele CA351855668.
Genomic context (GRCh38, chr3:18,394,461, plus strand): 5'-ATGGGACTAAAGAAAGAGAAAATAGGAGACAGCACAGAACCACTTATGAAACACAACTGA[C>A]CTGAGTTCTGTTAAAAGCCACACGTGCAAATACCGCCTGGGAGATTCCTGCTCGTTTCAG-3'

ClinVar aggregate classification (germline): Uncertain significance (1 of 4 stars; one submission).

Submission:

GeneDx
Classification: Uncertain significance. Last evaluated: 2021-05-28. Review status: criteria provided, single submitter. Criteria: GeneDx Variant Classification Process June 2021. Collection method: clinical testing. Allele origin: germline. Affected: yes.
Comment: Not observed at significant frequency in large population cohorts (Lek et al., 2016); Canonical splice site variant in a gene for which loss-of-function is not a known mechanism of disease; Has not been previously published as pathogenic or benign to our knowledge